The following is an entry in ClinVar:

ClinVar aggregate classification (germline): Uncertain significance. Review status: criteria provided, multiple submitters, no conflicts (2 of 4 stars). 2 submissions from 2 submitters: Uncertain significance (2). Last evaluated 2024-11-19.

Conditions:
Cardiovascular phenotype. Identifiers: MedGen CN230736.
Capillary malformation-arteriovenous malformation syndrome. Also called: Capillary malformation-arteriovenous malformation. Identifiers: Orphanet 137667, MedGen C1842180, MONDO:0012016.

Allele frequency attached by ClinVar (database versions not stated): gnomAD exomes below 0.00001; gnomAD 0.00001; TOPMed 0.00001.
gnomAD v4.1: 7 of 1,613,986 alleles (0.00043%); highest among the groups gnomAD compares: Non-Finnish European, 0.00059%; no homozygotes.

Submissions (2):

Labcorp Genetics (formerly Invitae), Labcorp
Classification: Uncertain significance for Capillary malformation-arteriovenous malformation syndrome. Last evaluated: 2024-11-19. Review status: criteria provided, single submitter. Criteria: Invitae Variant Classification Sherloc (09022015). Collection method: clinical testing. Allele origin: germline.
Comment: This sequence change replaces glycine, which is neutral and non-polar, with aspartic acid, which is acidic and polar, at codon 133 of the RASA1 protein (p.Gly133Asp). This variant is present in population databases (no rsID available, gnomAD 0.0009%). This variant has not been reported in the literature in individuals affected with RASA1-related conditions. ClinVar contains an entry for this variant (Variation ID: 1434646). An algorithm developed to predict the effect of missense changes on protein structure and function (PolyPhen-2) suggests that this variant is likely to be disruptive. In summary, the available evidence is currently insufficient to determine the role of this variant in disease. Therefore, it has been classified as a Variant of Uncertain Significance.

Ambry Genetics
Classification: Uncertain significance for Cardiovascular phenotype. Last evaluated: 2024-11-09. Review status: criteria provided, single submitter. Criteria: Ambry Variant Classification Scheme 2023. Collection method: clinical testing. Allele origin: germline.

NM_002890.3(RASA1):c.398G>A (p.Gly133Asp)

Gene: RASA1 (RAS p21 protein activator 1; plus strand). Cytogenetic location: 5q14.3.
Variant type: single nucleotide variant.
Coding change: c.398G>A on transcript NM_002890.3 (MANE Select); coding-DNA position 398, G replaced by A.
Protein change: p.Gly133Asp; replaces glycine 133 with aspartic acid.
Molecular consequence: missense variant.
Genome position (GRCh38, 1-based): chr5:87,268,849, G>A. VCF-style: chr5-87268849-G-A. GRCh37 (hg19) VCF-style: chr5-86564666-G-A.
Other names: short protein forms G133D.
Identifiers: ClinVar variation 1434646 (VCV001434646.8), dbSNP rs1002148193, ClinGen allele CA122462672.